The following is an entry in ClinVar:

ClinVar aggregate classification (germline): Pathogenic. Review status: criteria provided, multiple submitters, no conflicts (2 of 4 stars). 4 submissions from 4 submitters: Pathogenic (3). 1 of the submissions does not count toward it. Last evaluated 2026-01-11.

Conditions:
Epidermolysis bullosa, junctional 2B, severe. Also called: EPIDERMOLYSIS BULLOSA, JUNCTIONAL 2B, GENERALIZED SEVERE; EPIDERMOLYSIS BULLOSA, JUNCTIONAL 2B, HERLITZ TYPE. Identifiers: MedGen C5676937, MONDO:0030747, OMIM 619784.
Laryngo-onycho-cutaneous syndrome (JEB2C). Also called: LOGIC SYNDROME; EPIDERMOLYSIS BULLOSA, JUNCTIONAL 2C, LARYNGOONYCHOCUTANEOUS; SHABBIR SYNDROME. Identifiers: Orphanet 2407, MedGen C1328355, MONDO:0009513, OMIM 245660.
Epidermolysis bullosa, junctional 2A, intermediate. Also called: EPIDERMOLYSIS BULLOSA, JUNCTIONAL 2A, GENERALIZED INTERMEDIATE; EPIDERMOLYSIS BULLOSA, JUNCTIONAL 2A, NON-HERLITZ TYPE. Identifiers: MedGen C5676936, MONDO:0030746, OMIM 619783.
Junctional epidermolysis bullosa gravis of Herlitz. Also called: EPIDERMOLYSIS BULLOSA JUNCTIONALIS, HERLITZ TYPE; EPIDERMOLYSIS BULLOSA, JUNCTIONAL, HERLITZ-PEARSON TYPE; JEB-HERLITZ TYPE; Epidermolysis Bullosa Letalis; Herlitz-type junctional epidermolysis bullosa; EPIDERMOLYSIS BULLOSA, JUNCTIONAL 1B, SEVERE. Identifiers: Orphanet 79404, MedGen C0079683, MONDO:0009182, OMIM 226700.

Allele frequency attached by ClinVar (database versions not stated): ExAC 0.00001; gnomAD 0.00001.
gnomAD v4.1: 28 of 1,613,150 alleles (0.0017%); highest among the groups gnomAD compares: Non-Finnish European, 0.002%; no homozygotes.

Submissions (4):

Labcorp Genetics (formerly Invitae), Labcorp
Classification: Pathogenic. Last evaluated: 2026-01-11. Review status: criteria provided, single submitter. Criteria: Invitae Variant Classification Sherloc (09022015). Collection method: clinical testing. Allele origin: germline.
Comment: This sequence change creates a premature translational stop signal (p.Arg661*) in the LAMA3 gene. It is expected to result in an absent or disrupted protein product. Loss-of-function variants in LAMA3 are known to be pathogenic (PMID: 10366601, 11810295, 12915477, 16473856, 17362460, 22434185, 23869449, 27827380, 28087116). This variant is present in population databases (rs137852757, gnomAD 0.0009%). This premature translational stop signal has been observed in individual(s) with autosomal recessive junctional epidermolysis bullosa (PMID: 8530087). This variant is also known as R650X. ClinVar contains an entry for this variant (Variation ID: 8792). Algorithms developed to predict the effect of sequence changes on RNA splicing suggest that this variant may disrupt the consensus splice site. For these reasons, this variant has been classified as Pathogenic.

Fulgent Genetics
Classification: Pathogenic for Laryngo-onycho-cutaneous syndrome; Epidermolysis bullosa, junctional 2A, intermediate; Epidermolysis bullosa, junctional 2B, severe. Last evaluated: 2024-06-06. Review status: criteria provided, single submitter. Criteria: ACMG Guidelines, 2015. Collection method: clinical testing. Allele origin: germline.

Myriad Genetics, Inc.
Classification: Pathogenic for Junctional epidermolysis bullosa gravis of Herlitz. Last evaluated: 2019-12-09. Review status: criteria provided, single submitter. Criteria: Myriad Women's Health Autosomal Recessive and X-Linked Classification Criteria (2019). Collection method: clinical testing. Allele origin: unknown.
Comment: NM_000227.3(LAMA3):c.1981C>T(R661*) is classified as pathogenic in the context of LAMA3-related junctional epidermolysis bullosa. Sources cited for classification include the following: PMID 8824879, 8618022, 8530087 and 8983017. Classification of NM_000227.3(LAMA3):c.1981C>T(R661*) is based on the following criteria: The variant causes a premature termination codon that is expected to be targeted by nonsense-mediated mRNA decay and is reported in individuals with the relevant phenotype. Please note: this variant was assessed in the context of healthy population screening.

OMIM
Classification: Pathogenic for EPIDERMOLYSIS BULLOSA, JUNCTIONAL 2B, SEVERE. Last evaluated: 1996-04-01. Review status: no assertion criteria provided. Collection method: literature only. Allele origin: germline. Not counted in ClinVar's aggregate classification.

Literature cited by the submitters: PubMed 10366601 (cited by Labcorp Genetics (formerly Invitae), Labcorp); PubMed 11810295 (cited by Labcorp Genetics (formerly Invitae), Labcorp); PubMed 12915477 (cited by Labcorp Genetics (formerly Invitae), Labcorp); PubMed 16473856 (cited by Labcorp Genetics (formerly Invitae), Labcorp); PubMed 17362460 (cited by Labcorp Genetics (formerly Invitae), Labcorp); PubMed 22434185 (cited by Labcorp Genetics (formerly Invitae), Labcorp); PubMed 23869449 (cited by Labcorp Genetics (formerly Invitae), Labcorp); PubMed 27827380 (cited by Labcorp Genetics (formerly Invitae), Labcorp); PubMed 28087116 (cited by Labcorp Genetics (formerly Invitae), Labcorp); PubMed 8530087 (cited by 3 submitters); PubMed 8824879 (cited by Myriad Genetics, Inc.); PubMed 8618022 (cited by Myriad Genetics, Inc. and OMIM); PubMed 8983017 (cited by Myriad Genetics, Inc.); PubMed 7633458 (cited by OMIM).

NM_198129.4(LAMA3):c.6808C>T (p.Arg2270Ter)

Gene: LAMA3 (laminin subunit alpha 3; plus strand). Cytogenetic location: 18q11.2.
Variant type: single nucleotide variant.
Coding change: c.6808C>T on transcript NM_198129.4 (MANE Select); coding-DNA position 6808, C replaced by T.
Protein change: p.Arg2270Ter; replaces arginine 2270 with a stop codon.
Molecular consequence: nonsense.
Genome position (GRCh38, 1-based): chr18:23,907,639, C>T. VCF-style: chr18-23907639-C-T. GRCh37 (hg19) VCF-style: chr18-21487603-C-T.
Other names: R650*; c.1981C>T, p.Arg661Ter (NM_000227.6); c.6640C>T, p.Arg2214Ter (NM_001127717.4); c.1813C>T, p.Arg605Ter (NM_001127718.4); short protein forms R2214*, R2270*, R605*, R661*.
Identifiers: ClinVar variation 8792 (VCV000008792.16), dbSNP rs137852757, ClinGen allele CA254564.